The following is an entry in ClinVar:

ClinVar aggregate classification (germline): Uncertain significance (1 of 4 stars; one submission).

Conditions:
Hereditary cancer-predisposing syndrome. Also called: Tumor predisposition; Hereditary Cancer Syndrome; Neoplastic Syndromes, Hereditary; Hereditary neoplastic syndrome. Identifiers: Orphanet 140162, MedGen C0027672, MeSH D009386, MONDO:0015356.

Submission:

Ambry Genetics
Classification: Uncertain significance for Hereditary cancer-predisposing syndrome. Last evaluated: 2018-08-23. Review status: criteria provided, single submitter. Criteria: Ambry Variant Classification Scheme 2023. Collection method: clinical testing. Allele origin: germline.
Comment: The p.E318G variant (also known as c.953A>G), located in coding exon 10 of the RAD51D gene, results from an A to G substitution at nucleotide position 953. The glutamic acid at codon 318 is replaced by glycine, an amino acid with similar properties. This amino acid position is not well conserved in available vertebrate species. In addition, this alteration is predicted to be tolerated by in silico analysis. Since supporting evidence is limited at this time, the clinical significance of this alteration remains unclear.

NM_002878.4(RAD51D):c.953A>G (p.Glu318Gly)

Genes: RAD51L3-RFFL (RAD51L3-RFFL readthrough; minus strand), RAD51D (RAD51 paralog D; minus strand). Cytogenetic location: 17q12.
Variant type: single nucleotide variant.
Coding change: c.953A>G on transcript NM_002878.4 (MANE Select); coding-DNA position 953, A replaced by G.
Protein change: p.Glu318Gly; replaces glutamic acid 318 with glycine.
Molecular consequence: missense variant. On other transcripts: non-coding transcript variant (2).
Genome position (GRCh38, 1-based): chr17:35,100,987, T>C on the plus strand (A>G on the coding strand, the complement: RAD51D is on the minus strand). VCF-style: chr17-35100987-T-C. GRCh37 (hg19) VCF-style: chr17-33428006-T-C.
Other names: c.1013A>G, p.Glu338Gly (NM_001142571.2); c.617A>G, p.Glu206Gly (NM_133629.3); short protein forms E338G, E318G, E206G.
Identifiers: ClinVar variation 823321 (VCV000823321.4), dbSNP rs1597855377, ClinGen allele CA399086094.
Genomic context (GRCh38, chr17:35,100,987, plus strand): 5'-CCCTGTTTCCCAAACAACAGCACAGGTCATGTCTGATCACCCTGTAATGTGGCACTCTGC[T>C]CTGAGGTCCCCCAGGTCCCAATGTCTACCATCTCCTGGAAACCTGTTGGCTGGAAGAAGA-3'
Protein context (NP_002869.3, residues 308-328): MVDIGTWGTS[Glu318Gly]QSATLQGDQT